The following is an entry in ClinVar:

NM_001918.5(DBT):c.1209+17A>C

Gene: DBT (dihydrolipoamide branched chain transacylase E2; minus strand). Cytogenetic location: 1p21.2.
Variant type: single nucleotide variant.
Coding change: c.1209+17A>C on transcript NM_001918.5 (MANE Select); 17 bases into the intron after coding-DNA position 1209, A replaced by C.
Molecular consequence: intron variant.
Genome position (GRCh38, 1-based): chr1:100,206,428, T>G on the plus strand (A>C on the coding strand, the complement: DBT is on the minus strand). VCF-style: chr1-100206428-T-G. GRCh37 (hg19) VCF-style: chr1-100671984-T-G.
Identifiers: ClinVar variation 508374 (VCV000508374.1), dbSNP rs1553229652, ClinGen allele CA658795489.

ClinVar aggregate classification (germline): Likely benign (1 of 4 stars; one submission).

Submission:

GeneDx
Classification: Likely benign. Last evaluated: 2017-03-28. Review status: criteria provided, single submitter. Criteria: GeneDx Variant Classification (06012015). Collection method: clinical testing. Allele origin: germline. Affected: yes.
Comment: This variant is considered likely benign or benign based on one or more of the following criteria: it is a conservative change, it occurs at a poorly conserved position in the protein, it is predicted to be benign by multiple in silico algorithms, and/or has population frequency not consistent with disease.